The following is an entry in ClinVar:

NM_000548.5(TSC2):c.4991_4992delinsCT (p.Gly1664Ala)

Gene: TSC2 (TSC complex subunit 2; plus strand). Cytogenetic location: 16p13.3.
Variant type: Indel.
Coding change: c.4991_4992delinsCT on transcript NM_000548.5 (MANE Select); coding-DNA positions 4991 to 4992, GC replaced by CT.
Protein change: p.Gly1664Ala; replaces glycine 1664 with alanine.
Molecular consequence: missense variant. On other transcripts: non-coding transcript variant (5).
Genome position (GRCh38, 1-based): chr16:2,087,864-2,087,865, GC replaced by CT. VCF-style: chr16-2087864-GC-CT. GRCh37 (hg19) VCF-style: chr16-2137865-GC-CT.
Other names: c.4790_4791delinsCT, p.Gly1597Ala (NM_001077183.3); c.4922_4923delinsCT, p.Gly1641Ala (NM_001114382.3); c.4682_4683delinsCT, p.Gly1561Ala (NM_001318827.2); c.4646_4647delinsCT, p.Gly1549Ala (NM_001318829.2); c.4259_4260delinsCT, p.Gly1420Ala (NM_001318831.2); c.4823_4824delinsCT, p.Gly1608Ala (NM_001318832.2); c.4793_4794delinsCT, p.Gly1598Ala (NM_001363528.2); c.4859_4860delinsCT, p.Gly1620Ala (NM_001370404.1); and 26 more; short protein forms G1149A, G1173A, G1397A, G1398A, G1592A, G1597A, G1598A, G1172A.
Identifiers: ClinVar variation 3661232 (VCV003661232.3).

ClinVar aggregate classification (germline): Uncertain significance. Review status: criteria provided, multiple submitters, no conflicts (2 of 4 stars). 2 submissions from 2 submitters: Uncertain significance (2). Last evaluated 2026-03-11.

Conditions:
Hereditary cancer-predisposing syndrome. Also called: Hereditary Cancer Syndrome; Neoplastic Syndromes, Hereditary; Tumor predisposition; Hereditary neoplastic syndrome. Identifiers: Orphanet 140162, MedGen C0027672, MeSH D009386, MONDO:0015356.
Tuberous sclerosis 2 (TSC2). Identifiers: Orphanet 805, MedGen C1860707, MONDO:0013199, OMIM 613254.

Submissions (2):

Ambry Genetics
Classification: Uncertain significance for Hereditary cancer-predisposing syndrome. Last evaluated: 2026-03-11. Review status: criteria provided, single submitter. Criteria: Ambry Variant Classification Scheme 2023. Collection method: clinical testing. Allele origin: germline.
Comment: The c.4991_4992delGCinsCT variant, located in coding exon 38 of the TSC2 gene, results from an in-frame deletion of GC and insertion of CT at nucleotide positions 4991 to 4992. This results in the substitution of the glycine residue for an alanine residue at codon 1664, an amino acid with similar properties. This amino acid position is highly conserved in available vertebrate species. In addition, this variant is predicted to be deleterious by in silico analysis. Based on the available evidence, the clinical significance of this variant remains unclear.

Labcorp Genetics (formerly Invitae), Labcorp
Classification: Uncertain significance for Tuberous sclerosis 2. Last evaluated: 2025-05-15. Review status: criteria provided, single submitter. Criteria: Invitae Variant Classification Sherloc (09022015). Collection method: clinical testing. Allele origin: germline.
Comment: This sequence change replaces glycine, which is neutral and non-polar, with alanine, which is neutral and non-polar, at codon 1664 of the TSC2 protein (p.Gly1664Ala). Information on the frequency of this variant in the gnomAD database is not available, as this variant may be reported differently in the database. This variant has not been reported in the literature in individuals affected with TSC2-related conditions. ClinVar contains an entry for this variant (Variation ID: 3661232). An algorithm developed to predict the effect of missense changes on protein structure and function (PolyPhen-2) suggests that this variant is likely to be disruptive. In summary, the available evidence is currently insufficient to determine the role of this variant in disease. Therefore, it has been classified as a Variant of Uncertain Significance.